The following is an entry in ClinVar:

ClinVar aggregate classification (germline): Conflicting classifications of pathogenicity. Review status: criteria provided, conflicting classifications (1 of 4 stars). 2 submissions from 2 submitters: Uncertain significance (1); Likely benign (1). Last evaluated 2025-11-09.

Conditions:
Progressive familial heart block type IB (PFHB1B). Identifiers: Orphanet 871, MedGen C1970298, MONDO:0011474, OMIM 604559.
Cardiovascular phenotype. Identifiers: MedGen CN230736.

gnomAD v4.1: 2 of 1,607,484 alleles (0.00012%); highest among the groups gnomAD compares: African/African-American, 0.0013%; no homozygotes.

Submissions (2):

Labcorp Genetics (formerly Invitae), Labcorp
Classification: Uncertain significance for Progressive familial heart block type IB. Last evaluated: 2025-11-09. Review status: criteria provided, single submitter. Criteria: Invitae Variant Classification Sherloc (09022015). Collection method: clinical testing. Allele origin: germline.
Comment: This sequence change replaces threonine, which is neutral and polar, with methionine, which is neutral and non-polar, at codon 81 of the TRPM4 protein (p.Thr81Met). This variant is not present in population databases (gnomAD no frequency). This variant has not been reported in the literature in individuals affected with TRPM4-related conditions. ClinVar contains an entry for this variant (Variation ID: 855270). An algorithm developed to predict the effect of missense changes on protein structure and function outputs the following: PolyPhen-2: "Benign". The methionine amino acid residue is found in multiple mammalian species, which suggests that this missense change does not adversely affect protein function. In summary, the available evidence is currently insufficient to determine the role of this variant in disease. Therefore, it has been classified as a Variant of Uncertain Significance.

Ambry Genetics
Classification: Likely benign for Cardiovascular phenotype. Last evaluated: 2025-05-26. Review status: criteria provided, single submitter. Criteria: Ambry Variant Classification Scheme 2023. Collection method: clinical testing. Allele origin: germline.

NM_017636.4(TRPM4):c.242C>T (p.Thr81Met)

Gene: TRPM4 (transient receptor potential cation channel subfamily M member 4; plus strand). Cytogenetic location: 19q13.33.
Variant type: single nucleotide variant.
Coding change: c.242C>T on transcript NM_017636.4 (MANE Select); coding-DNA position 242, C replaced by T.
Protein change: p.Thr81Met; replaces threonine 81 with methionine.
Molecular consequence: missense variant. On other transcripts: 5 prime UTR variant (1), intron variant (2).
Genome position (GRCh38, 1-based): chr19:49,166,190, C>T. VCF-style: chr19-49166190-C-T. GRCh37 (hg19) VCF-style: chr19-49669447-C-T.
Other names: c.242C>T, p.Thr81Met (NM_001195227.2, NM_001321281.2); c.-1131C>T (NM_001321282.2); c.-74-2070C>T (NM_001321283.2); c.-237-2363C>T (NM_001321285.2); short protein forms T81M.
Identifiers: ClinVar variation 855270 (VCV000855270.8), dbSNP rs1400210713, ClinGen allele CA406789652.
Genomic context (GRCh38, chr19:49,166,190, plus strand): 5'-GGGACAGCGATGCACACACCACGGAGAAGCCCACCGATGCCTACGGAGAGCTGGACTTCA[C>T]GGGGGCCGGCCGCAAGCACAGCAATGTGAGGCGGGCCTCTGTGGGCGGGGCCCGGGCACC-3'
Protein context (NP_060106.2, residues 71-91): PTDAYGELDF[Thr81Met]GAGRKHSNFL